The following is an entry in ClinVar:

ClinVar aggregate classification (germline): Uncertain significance (1 of 4 stars; one submission).

Allele frequency attached by ClinVar (database versions not stated): gnomAD exomes 0.00001; TOPMed 0.00001; gnomAD 0.00002.
gnomAD v4.1: 17 of 1,570,318 alleles (0.0011%); highest among the groups gnomAD compares: African/African-American, 0.0014%; no homozygotes.

Submission:

Labcorp Genetics (formerly Invitae), Labcorp
Classification: Uncertain significance. Last evaluated: 2024-12-16. Review status: criteria provided, single submitter. Criteria: Invitae Variant Classification Sherloc (09022015). Collection method: clinical testing. Allele origin: germline.
Comment: This sequence change replaces alanine, which is neutral and non-polar, with glycine, which is neutral and non-polar, at codon 214 of the KCNC3 protein (p.Ala214Gly). This variant is present in population databases (no rsID available, gnomAD 0.001%). This variant has not been reported in the literature in individuals affected with KCNC3-related conditions. ClinVar contains an entry for this variant (Variation ID: 2999930). Invitae Evidence Modeling of protein sequence and biophysical properties (such as structural, functional, and spatial information, amino acid conservation, physicochemical variation, residue mobility, and thermodynamic stability) indicates that this missense variant is not expected to disrupt KCNC3 protein function with a negative predictive value of 95%. In summary, the available evidence is currently insufficient to determine the role of this variant in disease. Therefore, it has been classified as a Variant of Uncertain Significance.

NM_004977.3(KCNC3):c.641C>G (p.Ala214Gly)

Gene: KCNC3 (potassium voltage-gated channel subfamily C member 3; minus strand). Cytogenetic location: 19q13.33.
Variant type: single nucleotide variant.
Coding change: c.641C>G on transcript NM_004977.3 (MANE Select); coding-DNA position 641, C replaced by G.
Protein change: p.Ala214Gly; replaces alanine 214 with glycine.
Molecular consequence: missense variant.
Genome position (GRCh38, 1-based): chr19:50,328,442, G>C on the plus strand (C>G on the coding strand, the complement: KCNC3 is on the minus strand). VCF-style: chr19-50328442-G-C. GRCh37 (hg19) VCF-style: chr19-50831699-G-C.
Other names: c.413C>G, p.Ala138Gly (NM_001372305.1); short protein forms A138G, A214G.
Identifiers: ClinVar variation 2999930 (VCV002999930.3), dbSNP rs1476811668, ClinGen allele CA406954623.